The following is an entry in ClinVar:

ClinVar aggregate classification (germline): Benign (1 of 4 stars; one submission).

Conditions:
NOS2-related disorder. Also called: NOS2-related condition.

gnomAD v4.1: 50,905 of 1,613,922 alleles (3.2%); highest among the groups gnomAD compares: African/African-American, 19%; 1,995 homozygotes.

Submission:

PreventionGenetics, part of Exact Sciences
Classification: Benign for NOS2-related condition. Last evaluated: 2026-05-22. Review status: criteria provided, single submitter. Criteria: ACMG Guidelines, 2015. Collection method: clinical testing. Allele origin: germline.
Comment: This variant is classified as benign based on ACMG/AMP sequence variant interpretation guidelines (Richards et al. 2015 PMID: 25741868, with internal and published modifications).

NM_000625.4(NOS2):c.661C>T (p.Arg221Trp)

Gene: NOS2 (nitric oxide synthase 2; minus strand). Cytogenetic location: 17q11.2.
Variant type: single nucleotide variant.
Coding change: c.661C>T on transcript NM_000625.4 (MANE Select); coding-DNA position 661, C replaced by T.
Protein change: p.Arg221Trp; replaces arginine 221 with tryptophan.
Molecular consequence: missense variant.
Genome position (GRCh38, 1-based): chr17:27,782,076, G>A on the plus strand (C>T on the coding strand, the complement: NOS2 is on the minus strand). VCF-style: chr17-27782076-G-A. GRCh37 (hg19) VCF-style: chr17-26109102-G-A.
Other names: short protein forms R221W.
Identifiers: ClinVar variation 4983711 (VCV004983711.1).
Genomic context (GRCh38, chr17:27,782,076, plus strand): 5'-TGATGTTGCCATTGTTGGTGGAGTAACGCACGTGTCTGCAGATGTGTTCAAACATTTCCC[G>A]GGCAGTGGAACAGCTGCGGGCATCGAAGACCTGCAACAGCCCATCCAGACCATGCCCATC-3'
Protein context (NP_000616.3, residues 211-231): VFDARSCSTA[Arg221Trp]EMFEHICRHV